The following is an entry in ClinVar:

NM_022167.4(XYLT2):c.2158C>T (p.Arg720Trp)

Gene: XYLT2 (xylosyltransferase 2; plus strand). Cytogenetic location: 17q21.33.
Variant type: single nucleotide variant.
Coding change: c.2158C>T on transcript NM_022167.4 (MANE Select); coding-DNA position 2158, C replaced by T.
Protein change: p.Arg720Trp; replaces arginine 720 with tryptophan.
Molecular consequence: missense variant.
Genome position (GRCh38, 1-based): chr17:50,358,423, C>T. VCF-style: chr17-50358423-C-T. GRCh37 (hg19) VCF-style: chr17-48435784-C-T.
Other names: c.2158C>T (NM_022167.3); short protein forms R720W.
Identifiers: ClinVar variation 3628125 (VCV003628125.2).

ClinVar aggregate classification (germline): Uncertain significance. Review status: criteria provided, multiple submitters, no conflicts (2 of 4 stars). 2 submissions from 2 submitters: Uncertain significance (2). Last evaluated 2024-12-09.

Conditions:
XYLT2-related disorder. Also called: XYLT2-related condition.

gnomAD v4.1: 136 of 1,614,124 alleles (0.0084%); highest among the groups gnomAD compares: East Asian, 0.24%; 1 homozygote.

Submissions (2):

Labcorp Genetics (formerly Invitae), Labcorp
Classification: Uncertain significance. Last evaluated: 2024-12-09. Review status: criteria provided, single submitter. Criteria: Invitae Variant Classification Sherloc (09022015). Collection method: clinical testing. Allele origin: germline.
Comment: This sequence change replaces arginine, which is basic and polar, with tryptophan, which is neutral and slightly polar, at codon 720 of the XYLT2 protein (p.Arg720Trp). This variant is present in population databases (rs185089747, gnomAD 0.05%). This variant has not been reported in the literature in individuals affected with XYLT2-related conditions. Invitae Evidence Modeling of protein sequence and biophysical properties (such as structural, functional, and spatial information, amino acid conservation, physicochemical variation, residue mobility, and thermodynamic stability) indicates that this missense variant is not expected to disrupt XYLT2 protein function with a negative predictive value of 80%. In summary, the available evidence is currently insufficient to determine the role of this variant in disease. Therefore, it has been classified as a Variant of Uncertain Significance.

PreventionGenetics, part of Exact Sciences
Classification: Uncertain significance for XYLT2-related condition. Last evaluated: 2024-11-25. Review status: criteria provided, single submitter. Criteria: ACMG Guidelines, 2015. Collection method: clinical testing. Allele origin: germline.
Comment: The XYLT2 c.2158C>T variant is predicted to result in the amino acid substitution p.Arg720Trp. To our knowledge, this variant has not been reported in the literature. This variant is reported in 0.038% of alleles in individuals of East Asian descent in gnomAD. At this time, the clinical significance of this variant is uncertain due to the absence of conclusive functional and genetic evidence.